The following is an entry in ClinVar:

ClinVar aggregate classification (germline): Pathogenic (1 of 4 stars; one submission).

Conditions:
LAMA2-related muscular dystrophy (LAMA2-RD). Also called: Laminin alpha 2-related dystrophy. Identifiers: MedGen C5679788, MONDO:0100228.

Submission:

Myriad Genetics, Inc.
Classification: Pathogenic for LAMA2-related muscular dystrophy. Last evaluated: 2025-03-23. Review status: criteria provided, single submitter. Criteria: Myriad Autosomal Dominant, Autosomal Recessive and X-Linked Classification Criteria (2023). Collection method: clinical testing. Allele origin: unknown.
Comment: NM_000426.3(LAMA2):c.8359delC(L2787Sfs*7) is expected to be pathogenic in the context of muscular dystrophy, LAMA2-related. This variant is predicted to lead to an abnormal or absent protein product due to the creation of a premature termination codon in LAMA2, a gene where loss-of-function variants are known to be pathogenic. Please note: this variant was assessed in the context of healthy population screening.

NM_000426.4(LAMA2):c.8359del (p.Leu2787fs)

Gene: LAMA2 (laminin subunit alpha 2; plus strand). Cytogenetic location: 6q22.33.
Variant type: Deletion.
Coding change: c.8359del on transcript NM_000426.4 (MANE Select); coding-DNA position 8359, one base deleted (C; older notation c.8359delC).
Protein change: p.Leu2787fs; shifts the reading frame from leucine 2787.
Molecular consequence: frameshift variant.
Genome position (GRCh38, 1-based): chr6:129,503,092, C deleted. VCF-style (leftmost placement, unchanged base first): chr6-129503091-TC-T. GRCh37 (hg19) VCF-style: chr6-129824236-TC-T.
Other names: c.8347del, p.Leu2783fs (NM_001079823.2); short protein forms L2783fs, L2787fs.
Identifiers: ClinVar variation 5014257 (VCV005014257.1).